The following is an entry in ClinVar:

ClinVar aggregate classification (germline): Conflicting classifications of pathogenicity. Review status: criteria provided, conflicting classifications (1 of 4 stars). 2 submissions from 2 submitters: Likely pathogenic (1); Uncertain significance (1). Last evaluated 2026-04-01.

Conditions:
Primary ciliary dyskinesia. Also called: Ciliary dyskinesia. Identifiers: Orphanet 244, MedGen C0008780, MONDO:0016575, HP:0012265.

Allele frequency attached by ClinVar (database versions not stated): ExAC 0.00005; TOPMed 0.00009; gnomAD 0.00011; gnomAD exomes 0.00020.
gnomAD v4.1: 287 of 1,550,692 alleles (0.019%); highest among the groups gnomAD compares: Non-Finnish European, 0.024%; no homozygotes.

Submissions (2):

Department of Human Genetics, Hannover Medical School
Classification: Likely pathogenic for Primary Ciliary Dyskinesia. Last evaluated: 2026-04-01. Review status: criteria provided, single submitter. Criteria: ACMG Guidelines, 2015. Collection method: research. Allele origin: germline. Affected: no.
Comment: Classification performed by HerediClassify using the following criteria:['PM2_supporting: Variant occures does not occur as homozygous in gnomAD.', 'PVS1_splicing_strong: Transcript ENST00000682510 undergoes NMD.', "PP4_supporting: The modified PICADAR socre of 2.0 exceeds threshold of 2 achieving 'supporting' evidence strength."]

GeneDx
Classification: Uncertain significance. Last evaluated: 2024-03-17. Review status: criteria provided, single submitter. Criteria: GeneDx Variant Classification Process June 2021. Collection method: clinical testing. Allele origin: germline. Affected: yes.
Comment: Identified in an individual with Alzheimer disease in the published literature (PMID: 30924900); Canonical splice site variant in a gene for which loss-of-function is not a known mechanism of disease; This variant is associated with the following publications: (PMID: 30924900)

NM_001367479.1(DNAH14):c.9628-1G>A

Gene: DNAH14 (dynein axonemal heavy chain 14; plus strand). Cytogenetic location: 1q42.12.
Variant type: single nucleotide variant.
Coding change: c.9628-1G>A on transcript NM_001367479.1 (MANE Select); the canonical splice acceptor site of the intron before coding-DNA position 9628, G replaced by A.
Molecular consequence: splice acceptor variant.
Genome position (GRCh38, 1-based): chr1:225,324,736, G>A. VCF-style: chr1-225324736-G-A. GRCh37 (hg19) VCF-style: chr1-225512438-G-A.
Identifiers: ClinVar variation 2574940 (VCV002574940.3), dbSNP rs566891789, ClinGen allele CA1416549.
Genomic context (GRCh38, chr1:225,324,736, plus strand): 5'-GGCATTTTTAACAGTAAACCCGACGTTTTTGACACTTAAATGTTCTGACATTCTCTTTAA[G>A]GTTGTGGGCCCTAAACAAATCCAAGTAGCTGAAGCTCAAAACGTCCTTAAAATTGCGCGA-3'